The following is an entry in ClinVar:

ClinVar aggregate classification (germline): Benign/Likely benign. Review status: criteria provided, multiple submitters, no conflicts (2 of 4 stars). 5 submissions from 4 submitters: Benign (3); Likely benign (2). Last evaluated 2025-02-01.

Conditions:
Maturity-onset diabetes of the young (MODY). Also called: Maturity onset diabetes mellitus in young. Identifiers: Orphanet 552, MedGen C0342276, MONDO:0018911, HP:0004904.
Nonpapillary renal cell carcinoma. Identifiers: Orphanet 422526, MedGen CN074294, MONDO:0007763, OMIM 144700.
Renal cysts and diabetes syndrome (RCAD). Also called: Familial hypoplastic, glomerulocystic kidney; MATURITY-ONSET DIABETES OF THE YOUNG, TYPE 5. Identifiers: Orphanet 93111, MedGen C0431693, MONDO:0007669, OMIM 137920.

Allele frequency attached by ClinVar (database versions not stated): gnomAD 0.00491 and 0.00540; TOPMed 0.00516; gnomAD exomes 0.00615; 1000 Genomes Project 30x 0.00828; 1000 Genomes Project 0.00998.
gnomAD v4.1: 8,277 of 1,358,388 alleles (0.61%); highest among the groups gnomAD compares: South Asian, 2.5%; 73 homozygotes.

Submissions (5):

KCCC/NGS Laboratory, Kuwait Cancer Control Center
Classification: Benign for Renal cysts and diabetes syndrome. Last evaluated: 2025-02-01. Review status: criteria provided, single submitter. Criteria: ACMG Guidelines, 2015. Collection method: clinical testing. Allele origin: germline. Affected: no.

KCCC/NGS Laboratory, Kuwait Cancer Control Center
Classification: Likely benign for Nonpapillary renal cell carcinoma. Last evaluated: 2023-07-07. Review status: criteria provided, single submitter. Criteria: ACMG Guidelines, 2015. Collection method: clinical testing. Allele origin: germline. Affected: yes.

Illumina Laboratory Services, Illumina
Classification: Benign for Renal cysts and diabetes syndrome. Last evaluated: 2018-01-12. Review status: criteria provided, single submitter. Criteria: ICSL Variant Classification Criteria 13 December 2019. Collection method: clinical testing. Allele origin: germline.
Comment: This variant was observed in the ICSL laboratory as part of a predisposition screen in an ostensibly healthy population. It had not been previously curated by ICSL or reported in the Human Gene Mutation Database (HGMD: prior to June 1st, 2018), and was therefore a candidate for classification through an automated scoring system. Utilizing variant allele frequency, disease prevalence and penetrance estimates, and inheritance mode, an automated score was calculated to assess if this variant is too frequent to cause the disease. Based on the score and internal cut-off values, a variant classified as benign is not then subjected to further curation. The score for this variant resulted in a classification of benign for this disease.

Breakthrough Genomics
Classification: Benign. Review status: criteria provided, single submitter. Criteria: ACMG Guidelines, 2015. Collection method: not provided. Allele origin: germline. Inheritance: Autosomal dominant inheritance. Affected: yes.

Clinical Genomics, Uppaluri K&H Personalized Medicine Clinic
Classification: Likely benign for Maturity-onset diabetes of the young. Review status: criteria provided, single submitter. Criteria: K & H Uppaluri Personalized Medicine Clinic Variant Classification & Assertion Criteria_Updated V.1. Collection method: research. Allele origin: unknown. Inheritance: Autosomal dominant inheritance.
Comment: HNF1B gene mutations are associated with early onset diabetes and pancreatic atrophy. It is also associated with multiple renal manifestations including renal cysts, Tubulointerstitial disease, glomerulocystic disease, renal hypoplasia, hypomagnesemia. However no sufficient evidence is found to ascertain the role of this particular variant rs140699244, yet.

Literature cited by the submitters: PubMed 24897035 (cited by Clinical Genomics, Uppaluri K&H Personalized Medicine Clinic); PubMed 25536396 (cited by Clinical Genomics, Uppaluri K&H Personalized Medicine Clinic); PubMed 27615128 (cited by Clinical Genomics, Uppaluri K&H Personalized Medicine Clinic); PubMed 28215227 (cited by Clinical Genomics, Uppaluri K&H Personalized Medicine Clinic); PubMed 33434175 (cited by Clinical Genomics, Uppaluri K&H Personalized Medicine Clinic); PubMed 25741167 (cited by Clinical Genomics, Uppaluri K&H Personalized Medicine Clinic); PubMed 26340261 (cited by Clinical Genomics, Uppaluri K&H Personalized Medicine Clinic); PubMed 19639018 (cited by Clinical Genomics, Uppaluri K&H Personalized Medicine Clinic).

NM_000458.4(HNF1B):c.-67C>T

Gene: HNF1B (HNF1 homeobox B; minus strand). Cytogenetic location: 17q12.
Variant type: single nucleotide variant.
Coding change: c.-67C>T on transcript NM_000458.4 (MANE Select); 67 bases upstream of the start codon, C replaced by T.
Molecular consequence: 5 prime UTR variant.
Genome position (GRCh38, 1-based): chr17:37,744,951, G>A on the plus strand (C>T on the coding strand, the complement: HNF1B is on the minus strand). VCF-style: chr17-37744951-G-A. GRCh37 (hg19) VCF-style: chr17-36104942-G-A.
Other names: c.-67C>T (NM_000458.3, NM_001165923.4, NM_001304286.2).
Identifiers: ClinVar variation 322951 (VCV000322951.9), dbSNP rs140699244, ClinGen allele CA10639535.